The following is an entry in ClinVar:

ClinVar aggregate classification (germline): Likely benign. Review status: criteria provided, multiple submitters, no conflicts (2 of 4 stars). 3 submissions from 3 submitters: Likely benign (2). 1 of the submissions does not count toward it. Last evaluated 2025-10-18.

Conditions:
Familial cold autoinflammatory syndrome 3 (FCAS3). Also called: FAMILIAL ATYPICAL COLD URTICARIA; ANTIBODY DEFICIENCY AND IMMUNE DYSREGULATION, PLCG2-ASSOCIATED. Identifiers: Orphanet 300359, MedGen C3280914, MONDO:0013766, OMIM 614468.
PLCG2-related disorder. Also called: PLCG2-related condition.

gnomAD v4.1: 52 of 1,599,698 alleles (0.0033%); highest among the groups gnomAD compares: Middle Eastern, 0.017%; no homozygotes.

Submissions (3):

Labcorp Genetics (formerly Invitae), Labcorp
Classification: Likely benign for Familial cold autoinflammatory syndrome 3. Last evaluated: 2025-10-18. Review status: criteria provided, single submitter. Criteria: Invitae Variant Classification Sherloc (09022015). Collection method: clinical testing. Allele origin: germline.

CeGaT Center for Human Genetics Tuebingen
Classification: Likely benign. Last evaluated: 2025-02-01. Review status: criteria provided, single submitter. Criteria: CeGaT Center For Human Genetics Tuebingen Variant Classification Criteria Version 2. Collection method: clinical testing. Allele origin: germline. Affected: yes. Observed: 1 variant allele.
Comment: PLCG2: BP4, BP7

PreventionGenetics, part of Exact Sciences
Classification: Likely benign for PLCG2-related condition. Last evaluated: 2024-08-28. Review status: no assertion criteria provided. Collection method: clinical testing. Allele origin: germline. Not counted in ClinVar's aggregate classification.
Comment: This variant is classified as likely benign based on ACMG/AMP sequence variant interpretation guidelines (Richards et al. 2015 PMID: 25741868, with internal and published modifications).

NM_002661.5(PLCG2):c.1215C>A (p.Ile405=)

Gene: PLCG2 (phospholipase C gamma 2; plus strand). Cytogenetic location: 16q23.3.
Variant type: single nucleotide variant.
Coding change: c.1215C>A on transcript NM_002661.5 (MANE Select); coding-DNA position 1215, C replaced by A.
Protein change: p.Ile405=; no amino-acid change (isoleucine 405 retained).
Molecular consequence: synonymous variant.
Genome position (GRCh38, 1-based): chr16:81,900,633, C>A. VCF-style: chr16-81900633-C-A. GRCh37 (hg19) VCF-style: chr16-81934238-C-A.
Other names: c.1215C>A (NM_002661.4); c.1215C>A, p.Ile405= (NM_001425749.1, NM_001425750.1, NM_001425751.1).
Identifiers: ClinVar variation 2745718 (VCV002745718.17), dbSNP rs746020068, ClinGen allele CA8193671.
Genomic context (GRCh38, chr16:81,900,633, plus strand): 5'-GCTCCCCCTGCCGAGCTGCCCACCCTCTTCTGCCTGCAGCTTCCCAGTGATCCTGTCCAT[C>A]GAGGAGCACTGCAGCGTGGAGCAACAGCGTCACATGGCCAAGGCCTTCAAGGAAGTATTT-3'
Protein context (NP_002652.2, residues 395-415): VTSSFPVILS[Ile405=]EEHCSVEQQR